The following is an entry in ClinVar:

ClinVar aggregate classification (germline): Uncertain significance. Review status: criteria provided, multiple submitters, no conflicts (2 of 4 stars). 2 submissions from 2 submitters: Uncertain significance (2). Last evaluated 2023-08-01.

Conditions:
Inborn genetic diseases. Identifiers: MedGen C0950123, MeSH D030342.

Allele frequency attached by ClinVar (database versions not stated): ExAC 0.00001; TOPMed 0.00002; gnomAD 0.00003.

Submissions (2):

CeGaT Center for Human Genetics Tuebingen
Classification: Uncertain significance. Last evaluated: 2023-08-01. Review status: criteria provided, single submitter. Criteria: CeGaT Center For Human Genetics Tuebingen Variant Classification Criteria Version 2. Collection method: clinical testing. Allele origin: germline. Affected: yes. Observed: 1 variant allele.
Comment: CHMP1A: PM2

Ambry Genetics
Classification: Uncertain significance for Inborn genetic diseases. Last evaluated: 2023-03-24. Review status: criteria provided, single submitter. Criteria: Ambry Variant Classification Scheme 2023. Collection method: clinical testing. Allele origin: germline.

NM_002768.5(CHMP1A):c.405G>A (p.Ser135=)

Gene: CHMP1A (charged multivesicular body protein 1A; minus strand). Cytogenetic location: 16q24.3.
Variant type: single nucleotide variant.
Coding change: c.405G>A on transcript NM_002768.5 (MANE Select); coding-DNA position 405, G replaced by A.
Protein change: p.Ser135=; no amino-acid change (serine 135 retained).
Molecular consequence: synonymous variant. On other transcripts: missense variant (1), non-coding transcript variant (1).
Genome position (GRCh38, 1-based): chr16:89,646,691, C>T on the plus strand (G>A on the coding strand, the complement: CHMP1A is on the minus strand). VCF-style: chr16-89646691-C-T. GRCh37 (hg19) VCF-style: chr16-89713099-C-T.
Other names: c.385G>A, p.Gly129Ser (NM_001083314.4); short protein forms G129S.
Identifiers: ClinVar variation 2515254 (VCV002515254.26), dbSNP rs768703745, ClinGen allele CA8246980.